The following is an entry in ClinVar:

NM_000041.4(APOE):c.237-16_237-13del

Gene: APOE (apolipoprotein E; plus strand). Cytogenetic location: 19q13.32.
Variant type: Deletion.
Coding change: c.237-16_237-13del on transcript NM_000041.4 (MANE Select); 16 bases into the intron before coding-DNA position 237 through 13 bases into the intron before coding-DNA position 237, 4 bases deleted (GCCC; older notation c.237-16_237-13delGCCC).
Molecular consequence: intron variant.
Genome position (GRCh38, 1-based): chr19:44,908,517-44,908,520, GCCC deleted; deleting any 4 consecutive bases within chr19:44,908,514-44,908,520 gives the same sequence; the c. name uses the placement nearest the transcript's 3' end. VCF-style (leftmost placement, unchanged base first): chr19-44908513-TCCCG-T. GRCh37 (hg19) VCF-style: chr19-45411770-TCCCG-T.
Other names: c.315-16_315-13del (NM_001302688.2); c.237-16_237-13del (NM_001302691.2, NM_001302689.2, NM_001302690.2).
Identifiers: ClinVar variation 1210067 (VCV001210067.6), dbSNP rs377486301, ClinGen allele CA9506019.
Genomic context (GRCh38, chr19:44,908,513, plus strand): 5'-CATCCCCATCTCGCCCGCCCCATCCCAGCCCTTCTCCCCGCCTCCCACTGTGCGACACCC[TCCCG>T]CCCTCTCGGCCGCAGGGCGCTGATGGACGAGACCATGAAGGAGTTGAAGGCCTACAAATC-3'

ClinVar aggregate classification (germline): Likely benign. Review status: criteria provided, multiple submitters, no conflicts (2 of 4 stars). 4 submissions from 4 submitters: Likely benign (2). 2 of the submissions do not count toward it. Last evaluated 2026-05-20.

Conditions:
Familial hypercholesterolemia. Also called: Familial hypercholesterolemias; Familial hypercholesterolaemia. Identifiers: MedGen C0020445, MONDO:0005439.

Submissions (4):

Cambridge Genomics Laboratory, East Genomic Laboratory Hub, NHS Genomic Medicine Service
Classification: Likely benign for Familial hypercholesterolaemia. Last evaluated: 2026-05-20. Review status: criteria provided, single submitter. Criteria: ACGS Best Practice Guidelines for Variant Classification in Rare Disease 2020. Collection method: clinical testing. Allele origin: germline. Affected: yes.
Comment: BS1_Strong,BS4,BP4

GeneDx
Classification: Likely benign. Last evaluated: 2021-12-21. Review status: criteria provided, single submitter. Criteria: GeneDx Variant Classification Process June 2021. Collection method: clinical testing. Allele origin: germline. Affected: yes.
Comment: See Variant Classification Assertion Criteria.

Clinical Genetics, Academic Medical Center
Classification: Benign. Review status: no assertion criteria provided. Collection method: clinical testing. Allele origin: germline. Affected: yes. Study: VKGL Data-share Consensus. Not counted in ClinVar's aggregate classification.

Genome Diagnostics Laboratory, Amsterdam University Medical Center
Classification: Likely benign. Review status: no assertion criteria provided. Collection method: clinical testing. Allele origin: germline. Affected: yes. Study: VKGL Data-share Consensus. Not counted in ClinVar's aggregate classification.